The following is an entry in ClinVar:

ClinVar aggregate classification (germline): Uncertain significance (1 of 4 stars; one submission).

Submission:

GeneDx
Classification: Uncertain significance. Last evaluated: 2026-03-15. Review status: criteria provided, single submitter. Criteria: GeneDx Variant Classification Process June 2021. Collection method: clinical testing. Allele origin: germline.
Comment: Not observed at significant frequency in large population cohorts (gnomAD); In silico analysis supports that this missense variant has a deleterious effect on protein structure/function; This variant is associated with the following publications: (PMID: 31539878, 36546343)

NM_000618.5(IGF1):c.322T>C (p.Tyr108His)

Genes: LINC02456 (long independently transcribed non-coding RNA 2456; plus strand), IGF1 (insulin like growth factor 1; minus strand). Cytogenetic location: 12q23.2.
Variant type: single nucleotide variant.
Coding change: c.322T>C on transcript NM_000618.5 (MANE Select); coding-DNA position 322, T replaced by C.
Protein change: p.Tyr108His; replaces tyrosine 108 with histidine.
Molecular consequence: missense variant.
Genome position (GRCh38, 1-based): chr12:102,419,589, A>G on the plus strand (T>C on the coding strand, the complement: IGF1 is on the minus strand). VCF-style: chr12-102419589-A-G. GRCh37 (hg19) VCF-style: chr12-102813367-A-G.
Other names: c.322T>C, p.Tyr108His (NM_001111283.3, NM_001111285.3, NM_001414005.1 and 1 more transcripts); c.274T>C, p.Tyr92His (NM_001111284.2, NM_001414006.1); short protein forms Y108H, Y92H.
Identifiers: ClinVar variation 3340951 (VCV003340951.2).